The following is an entry in ClinVar:

NM_030962.4(SBF2):c.5398G>A (p.Ala1800Thr)

Genes: SBF2 (SET binding factor 2; minus strand), SBF2-AS1 (SBF2 antisense RNA 1; plus strand), LOC105369149 (uncharacterized LOC105369149; plus strand). Cytogenetic location: 11p15.4.
Variant type: single nucleotide variant.
Coding change: c.5398G>A on transcript NM_030962.4 (MANE Select); coding-DNA position 5398, G replaced by A.
Protein change: p.Ala1800Thr; replaces alanine 1800 with threonine.
Molecular consequence: missense variant.
Genome position (GRCh38, 1-based): chr11:9,781,560, C>T on the plus strand (G>A on the coding strand, the complement: SBF2 is on the minus strand). VCF-style: chr11-9781560-C-T. GRCh37 (hg19) VCF-style: chr11-9803107-C-T.
Other names: c.5494G>A, p.Ala1832Thr (NM_001386339.1); c.5269G>A, p.Ala1757Thr (NM_001386342.1); short protein forms A1757T, A1832T, A1800T.
Identifiers: ClinVar variation 1361175 (VCV001361175.8), dbSNP rs1852008750, ClinGen allele CA379630262.
Genomic context (GRCh38, chr11:9,781,560, plus strand): 5'-AACTTACATCAAAGAAAGCCTTGTCACTTGTGTGCTTTGGGGCTCCCATGCTGGGGCCAG[C>T]AGGGATGACCATTTCTACTTCAGCCAGATCAATGTGGCCTTTACAGCTTGTGTCCTCACC-3'
Protein context (NP_112224.1, residues 1790-1810): DLAEVEMVIP[Ala1800Thr]GPSMGAPKHT

ClinVar aggregate classification (germline): Uncertain significance (1 of 4 stars; one submission).

Conditions:
Charcot-Marie-Tooth disease type 4. Also called: Charcot-Marie-Tooth disease, type IV; Charcot-Marie-Tooth, Type 4. Identifiers: Orphanet 64749, MedGen C4082197, MONDO:0018995.

Submission:

Labcorp Genetics (formerly Invitae), Labcorp
Classification: Uncertain significance for Charcot-Marie-Tooth disease type 4. Last evaluated: 2021-06-14. Review status: criteria provided, single submitter. Criteria: Invitae Variant Classification Sherloc (09022015). Collection method: clinical testing. Allele origin: germline.
Comment: This sequence change replaces alanine with threonine at codon 1800 of the SBF2 protein (p.Ala1800Thr). The alanine residue is highly conserved and there is a small physicochemical difference between alanine and threonine. This variant is not present in population databases (ExAC no frequency). This variant has not been reported in the literature in individuals with SBF2-related conditions. Algorithms developed to predict the effect of missense changes on protein structure and function are either unavailable or do not agree on the potential impact of this missense change (SIFT: "Deleterious"; PolyPhen-2: "Possibly Damaging"; Align-GVGD: "Class C0"). In summary, the available evidence is currently insufficient to determine the role of this variant in disease. Therefore, it has been classified as a Variant of Uncertain Significance.